The following is an entry in ClinVar:

ClinVar aggregate classification (germline): Uncertain significance (1 of 4 stars; one submission).

Conditions:
Very long chain acyl-CoA dehydrogenase deficiency (ACADVLD). Also called: Very Long-Chain Acyl-Coenzyme A Dehydrogenase Deficiency; VLCAD Deficiency. Identifiers: Orphanet 26793, MedGen C3887523, MONDO:0008723, OMIM 201475.

Submission:

Wong Mito Lab, Molecular and Human Genetics, Baylor College of Medicine
Classification: Uncertain significance for Very long chain acyl-CoA dehydrogenase deficiency. Last evaluated: 2019-11-01. Review status: criteria provided, single submitter. Criteria: ACMG Guidelines, 2015. Collection method: clinical testing. Allele origin: germline.
Comment: The NM_000018.3:c.1055T>G (NP_000009.1:p.Met352Arg) [GRCH38: NC_000017.11:g.7222843T>G] variant in ACADVL gene is interpretated to be Uncertain Significance based on ACMG guidelines (PMID: 25741868). This variant has been reported. This variant meets the following evidence codes reported in the ACMG guidelines: PM5

NM_000018.4(ACADVL):c.1055T>G (p.Met352Arg)

Gene: ACADVL (acyl-CoA dehydrogenase very long chain; plus strand). Cytogenetic location: 17p13.1.
Variant type: single nucleotide variant.
Coding change: c.1055T>G on transcript NM_000018.4 (MANE Select); coding-DNA position 1055, T replaced by G.
Protein change: p.Met352Arg; replaces methionine 352 with arginine.
Molecular consequence: missense variant.
Genome position (GRCh38, 1-based): chr17:7,222,843, T>G. VCF-style: chr17-7222843-T-G. GRCh37 (hg19) VCF-style: chr17-7126162-T-G.
Other names: c.989T>G, p.Met330Arg (NM_001033859.3); c.1124T>G, p.Met375Arg (NM_001270447.2); c.827T>G, p.Met276Arg (NM_001270448.2); short protein forms M375R, M276R, M330R, M352R.
Identifiers: ClinVar variation 932873 (VCV000932873.2), dbSNP rs2071296504, ClinGen allele CA397724251.